The following is an entry in ClinVar:

ClinVar aggregate classification (germline): Uncertain significance. Review status: criteria provided, single submitter (1 of 4 stars). 2 submissions from 2 submitters: Uncertain significance (1). 1 of the submissions does not count toward it. Last evaluated 2022-05-28.

Conditions:
Nemaline myopathy 2 (NEM2). Also called: Nemaline myopathy 2, autosomal recessive. Identifiers: MedGen C1850569, MONDO:0009725, OMIM 256030.

Allele frequency attached by ClinVar (database versions not stated): gnomAD exomes 0.00003 and 0.00008; ExAC 0.00007; gnomAD 0.00007 and 0.00008; TOPMed 0.00011; ESP Exome Variant Server 0.00008.
gnomAD v4.1: 59 of 1,613,774 alleles (0.0037%); highest among the groups gnomAD compares: African/African-American, 0.027%; no homozygotes.

Submissions (2):

Labcorp Genetics (formerly Invitae), Labcorp
Classification: Uncertain significance for Nemaline myopathy 2. Last evaluated: 2022-05-28. Review status: criteria provided, single submitter. Criteria: Invitae Variant Classification Sherloc (09022015). Collection method: clinical testing. Allele origin: germline.
Comment: This sequence change replaces isoleucine, which is neutral and non-polar, with threonine, which is neutral and polar, at codon 3399 of the NEB protein (p.Ile3399Thr). This variant is present in population databases (rs377734027, gnomAD 0.07%). This missense change has been observed in individual(s) with clinical features of NEB-related conditions (Invitae). ClinVar contains an entry for this variant (Variation ID: 465426). Algorithms developed to predict the effect of missense changes on protein structure and function are either unavailable or do not agree on the potential impact of this missense change (SIFT: "Tolerated"; PolyPhen-2: "Not Available"; Align-GVGD: "Class C0"). In summary, the available evidence is currently insufficient to determine the role of this variant in disease. Therefore, it has been classified as a Variant of Uncertain Significance.

Natera, Inc.
Classification: Uncertain significance for Nemaline myopathy type 2. Last evaluated: 2019-11-11. Review status: no assertion criteria provided. Collection method: clinical testing. Allele origin: germline. Not counted in ClinVar's aggregate classification.

NM_001164508.2(NEB):c.10196T>C (p.Ile3399Thr)

Gene: NEB (nebulin; minus strand). Cytogenetic location: 2q23.3.
Variant type: single nucleotide variant.
Coding change: c.10196T>C on transcript NM_001164508.2 (MANE Select); coding-DNA position 10196, T replaced by C.
Protein change: p.Ile3399Thr; replaces isoleucine 3399 with threonine.
Molecular consequence: missense variant.
Genome position (GRCh38, 1-based): chr2:151,627,153, A>G on the plus strand (T>C on the coding strand, the complement: NEB is on the minus strand). VCF-style: chr2-151627153-A-G. GRCh37 (hg19) VCF-style: chr2-152483667-A-G.
Other names: c.10196T>C, p.Ile3399Thr (NM_001164507.2, NM_001271208.2); c.9467T>C, p.Ile3156Thr (NM_004543.5); short protein forms I3399T, I3156T.
Identifiers: ClinVar variation 465426 (VCV000465426.8), dbSNP rs377734027, ClinGen allele CA1909092.
Genomic context (GRCh38, chr2:151,627,153, plus strand): 5'-TAGATGTTATCACTCAGTATTTCAGCAGCTCTCTTGCACTTGACCACATCCATAGACCCA[A>G]TGGGGACCCAGCCAATGCCTCTCAGCCACTGGAGATCAGATTTGTAAATGTTCTGGAGAG-3'
Protein context (NP_001157980.2, residues 3389-3409): QWLRGIGWVP[Ile3399Thr]GSMDVVKCKR